The following is an entry in ClinVar:

ClinVar aggregate classification (germline): Benign (1 of 4 stars; one submission).

Conditions:
Hypophosphatasia. Also called: Phosphoethanol-aminuria. Identifiers: Orphanet 436, MedGen C0020630, MeSH D007014, MONDO:0018570.

Allele frequency attached by ClinVar (database versions not stated): gnomAD exomes 0.00207; gnomAD 0.02516 and 0.02700; 1000 Genomes Project 0.02556; 1000 Genomes Project 30x 0.02748; TOPMed 0.02815.
gnomAD v4.1: 3,844 of 179,742 alleles (2.1%); highest among the groups gnomAD compares: African/African-American, 8.5%; 138 homozygotes.

Submission:

Illumina Laboratory Services, Illumina
Classification: Benign for Hypophosphatasia. Last evaluated: 2018-01-13. Review status: criteria provided, single submitter. Criteria: ICSL Variant Classification Criteria 13 December 2019. Collection method: clinical testing. Allele origin: germline.
Comment: This variant was observed in the ICSL laboratory as part of a predisposition screen in an ostensibly healthy population. It had not been previously curated by ICSL or reported in the Human Gene Mutation Database (HGMD: prior to June 1st, 2018), and was therefore a candidate for classification through an automated scoring system. Utilizing variant allele frequency, disease prevalence and penetrance estimates, and inheritance mode, an automated score was calculated to assess if this variant is too frequent to cause the disease. Based on the score and internal cut-off values, a variant classified as benign is not then subjected to further curation. The score for this variant resulted in a classification of benign for this disease.

NM_000478.6(ALPL):c.*460G>A

Gene: ALPL (alkaline phosphatase, biomineralization associated; plus strand). Cytogenetic location: 1p36.12.
Variant type: single nucleotide variant.
Coding change: c.*460G>A on transcript NM_000478.6 (MANE Select); 460 bases downstream of the stop codon, G replaced by A.
Molecular consequence: 3 prime UTR variant.
Genome position (GRCh38, 1-based): chr1:21,578,108, G>A. VCF-style: chr1-21578108-G-A. GRCh37 (hg19) VCF-style: chr1-21904601-G-A.
Other names: c.*460G>A (NM_001127501.4, NM_001177520.3, NM_001369803.2 and 2 more transcripts).
Identifiers: ClinVar variation 295568 (VCV000295568.5), dbSNP rs114552089, ClinGen allele CA10609028.
Genomic context (GRCh38, chr1:21,578,108, plus strand): 5'-TCTCCTTACCTCTGGAACCCCCCAGGCCCTACAATGCTCATGTCCCTGTCCCCAGGCCCA[G>A]CCCTCCTTCAGGGGAGTTGAGGTCTTTCTCCTCAGGACAAGGCCTTGCTCACTCACTCAC-3'